The following is an entry in ClinVar:

NM_000038.6(APC):c.5759G>T (p.Arg1920Leu)

Gene: APC (APC regulator of Wnt signaling pathway; plus strand). Cytogenetic location: 5q22.2.
Variant type: single nucleotide variant.
Coding change: c.5759G>T on transcript NM_000038.6 (MANE Select); coding-DNA position 5759, G replaced by T.
Protein change: p.Arg1920Leu; replaces arginine 1920 with leucine.
Molecular consequence: missense variant.
Genome position (GRCh38, 1-based): chr5:112,841,353, G>T. VCF-style: chr5-112841353-G-T. GRCh37 (hg19) VCF-style: chr5-112177050-G-T.
Other names: c.5759G>T, p.Arg1920Leu (NM_001127510.3, NM_001354895.2); c.5705G>T, p.Arg1902Leu (NM_001127511.3); c.5813G>T, p.Arg1938Leu (NM_001354896.2); c.5789G>T, p.Arg1930Leu (NM_001354897.2); c.5684G>T, p.Arg1895Leu (NM_001354898.2); c.5675G>T, p.Arg1892Leu (NM_001354899.2); c.5636G>T, p.Arg1879Leu (NM_001354900.2); c.5582G>T, p.Arg1861Leu (NM_001354901.2); and 5 more; short protein forms R1920L, R1902L, R1861L, R1895L, R1930L, R1637L, R1829L, R1879L.
Identifiers: ClinVar variation 135708 (VCV000135708.17), dbSNP rs587780599, ClinGen allele CA010655.

ClinVar aggregate classification (germline): Uncertain significance. Review status: criteria provided, multiple submitters, no conflicts (2 of 4 stars). 3 submissions from 3 submitters: Uncertain significance (3). Last evaluated 2025-06-16.

Conditions:
Familial adenomatous polyposis 1 (FAP1). Also called: FAMILIAL ADENOMATOUS POLYPOSIS 1, ATTENUATED; POLYPOSIS, ADENOMATOUS INTESTINAL. Identifiers: MedGen C2713442, MONDO:0021056, OMIM 175100. Disease mechanism: loss of function.
Hereditary cancer-predisposing syndrome. Also called: Tumor predisposition; Hereditary neoplastic syndrome; Neoplastic Syndromes, Hereditary; Hereditary Cancer Syndrome. Identifiers: Orphanet 140162, MedGen C0027672, MeSH D009386, MONDO:0015356.

gnomAD v4.1: 1 of 1,613,666 alleles (0.000062%); highest among the groups gnomAD compares: Non-Finnish European, 0.000085%; no homozygotes.

Submissions (3):

Labcorp Genetics (formerly Invitae), Labcorp
Classification: Uncertain significance for Familial adenomatous polyposis 1. Last evaluated: 2025-06-16. Review status: criteria provided, single submitter. Criteria: Invitae Variant Classification Sherloc (09022015). Collection method: clinical testing. Allele origin: germline.
Comment: This sequence change replaces arginine, which is basic and polar, with leucine, which is neutral and non-polar, at codon 1920 of the APC protein (p.Arg1920Leu). This variant is not present in population databases (gnomAD no frequency). This variant has not been reported in the literature in individuals affected with APC-related conditions. ClinVar contains an entry for this variant (Variation ID: 135708). Invitae Evidence Modeling of protein sequence and biophysical properties (such as structural, functional, and spatial information, amino acid conservation, physicochemical variation, residue mobility, and thermodynamic stability) indicates that this missense variant is not expected to disrupt APC protein function with a negative predictive value of 95%. In summary, the available evidence is currently insufficient to determine the role of this variant in disease. Therefore, it has been classified as a Variant of Uncertain Significance.

Ambry Genetics
Classification: Uncertain significance for Hereditary cancer-predisposing syndrome. Last evaluated: 2024-03-21. Review status: criteria provided, single submitter. Criteria: Ambry Variant Classification Scheme 2023. Collection method: clinical testing. Allele origin: germline.
Comment: The p.R1920L variant (also known as c.5759G>T), located in coding exon 15 of the APC gene, results from a G to T substitution at nucleotide position 5759. The arginine at codon 1920 is replaced by leucine, an amino acid with dissimilar properties. This amino acid position is highly conserved in available vertebrate species. In addition, in silico predictors for this gene do not accurately predict pathogenicity. Since supporting evidence is limited at this time, the clinical significance of this alteration remains unclear.

Color Diagnostics, LLC DBA Color Health
Classification: Uncertain significance for Hereditary cancer-predisposing syndrome. Last evaluated: 2024-03-06. Review status: criteria provided, single submitter. Criteria: ACMG Guidelines, 2015. Collection method: clinical testing. Allele origin: germline.
Comment: This missense variant replaces arginine with leucine at codon 1920 of the APC protein. Computational prediction is inconclusive regarding the impact of this variant on protein structure and function (internally defined REVEL score threshold 0.5 < inconclusive < 0.7, PMID: 27666373). To our knowledge, functional studies have not been reported for this variant. This variant has not been reported in individuals affected with APC-related disorders in the literature. This variant has not been identified in the general population by the Genome Aggregation Database (gnomAD). The available evidence is insufficient to determine the role of this variant in disease conclusively. Therefore, this variant is classified as a Variant of Uncertain Significance.